The following is an entry in ClinVar:

NM_001379200.1(TBX1):c.199_224del (p.Pro67fs)

Gene: TBX1 (T-box transcription factor 1; plus strand). Cytogenetic location: 22q11.21.
Variant type: Deletion.
Coding change: c.199_224del on transcript NM_001379200.1 (MANE Select); coding-DNA positions 199 to 224, 26 bases deleted (CCCGGCGCCCCGGGCCCGCCGCCGCC).
Protein change: p.Pro67fs; shifts the reading frame from proline 67.
Molecular consequence: frameshift variant.
Genome position (GRCh38, 1-based): chr22:19,761,042-19,761,067, CCCGGCGCCCCGGGCCCGCCGCCGCC deleted; deleting any 26 consecutive bases within chr22:19,761,031-19,761,067 gives the same sequence; the c. name uses the placement nearest the transcript's 3' end. VCF-style (leftmost placement, unchanged base first): chr22-19761030-GCCGCCGCCGCCCCCGGCGCCCCGGGC-G. GRCh37 (hg19) VCF-style: chr22-19748553-GCCGCCGCCGCCCCCGGCGCCCCGGGC-G.
Other names: c.172_197del, p.Pro58fs (NM_005992.1, NM_080646.2, NM_080647.1); short protein forms P58fs, P67fs.
Identifiers: ClinVar variation 949172 (VCV000949172.3), dbSNP rs1936640897, ClinGen allele CA1139666950.

ClinVar aggregate classification (germline): Pathogenic (1 of 4 stars; one submission).

Conditions:
DiGeorge syndrome. Also called: THIRD AND FOURTH PHARYNGEAL POUCH SYNDROME; Catch22. Identifiers: Orphanet 567, MedGen C0012236, MONDO:0008564, OMIM 188400.

Submission:

Labcorp Genetics (formerly Invitae), Labcorp
Classification: Pathogenic for DiGeorge syndrome. Last evaluated: 2019-06-11. Review status: criteria provided, single submitter. Criteria: Invitae Variant Classification Sherloc (09022015). Collection method: clinical testing. Allele origin: germline.
Comment: This sequence change creates a premature translational stop signal (p.Pro58Alafs*102) in the TBX1 gene. It is expected to result in an absent or disrupted protein product. The frequency data for this variant in the population databases is considered unreliable, as metrics indicate insufficient coverage at this position in the ExAC database. This variant has not been reported in the literature in individuals with TBX1-related conditions. Loss-of-function variants in TBX1 are known to be pathogenic (PMID: 11239417, 11242049). For these reasons, this variant has been classified as Pathogenic.

Literature cited by the submitters: PubMed 11239417; PubMed 11242049.